The following is an entry in ClinVar:

NM_000051.4(ATM):c.7123A>G (p.Ser2375Gly)

Genes: ATM (ATM serine/threonine kinase; plus strand), C11orf65 (chromosome 11 open reading frame 65; minus strand). Cytogenetic location: 11q22.3.
Variant type: single nucleotide variant.
Coding change: c.7123A>G on transcript NM_000051.4 (MANE Select); coding-DNA position 7123, A replaced by G.
Protein change: p.Ser2375Gly; replaces serine 2375 with glycine.
Molecular consequence: missense variant. On other transcripts: intron variant (2).
Genome position (GRCh38, 1-based): chr11:108,329,054, A>G. VCF-style: chr11-108329054-A-G. GRCh37 (hg19) VCF-style: chr11-108199781-A-G.
Other names: c.7123A>G, p.Ser2375Gly (NM_001351834.2); c.641-19983T>C (NM_001330368.2); c.*38+6166T>C (NM_001351110.2); short protein forms S2375G.
Identifiers: ClinVar variation 1002715 (VCV001002715.9), dbSNP rs2085977071, ClinGen allele CA382559447.

ClinVar aggregate classification (germline): Uncertain significance (1 of 4 stars; one submission).

Conditions:
Ataxia-telangiectasia syndrome (AT). Also called: Ataxia-telangiectasia, complementation group D; AT, COMPLEMENTATION GROUP C; ATAXIA-TELANGIECTASIA, COMPLEMENTATION GROUP A; ATAXIA-TELANGIECTASIA, FRESNO VARIANT; Ataxia-telangiectasia; Ataxia telangiectasia (A-T). Identifiers: Orphanet 100, MedGen C0004135, MONDO:0008840, OMIM 208900.

Allele frequency attached by ClinVar (database versions not stated): gnomAD exomes below 0.00001.
gnomAD v4.1: 1 of 1,614,136 alleles (0.000062%); highest among the groups gnomAD compares: East Asian, 0.0022%; no homozygotes.

Submission:

Labcorp Genetics (formerly Invitae), Labcorp
Classification: Uncertain significance for Ataxia-telangiectasia syndrome. Last evaluated: 2020-05-20. Review status: criteria provided, single submitter. Criteria: Invitae Variant Classification Sherloc (09022015). Collection method: clinical testing. Allele origin: germline.
Comment: This sequence change replaces serine with glycine at codon 2375 of the ATM protein (p.Ser2375Gly). The serine residue is weakly conserved and there is a small physicochemical difference between serine and glycine. In summary, the available evidence is currently insufficient to determine the role of this variant in disease. Therefore, it has been classified as a Variant of Uncertain Significance. Algorithms developed to predict the effect of missense changes on protein structure and function (SIFT, PolyPhen-2, Align-GVGD) all suggest that this variant is likely to be tolerated, but these predictions have not been confirmed by published functional studies and their clinical significance is uncertain. This variant has not been reported in the literature in individuals with ATM-related conditions. This variant is not present in population databases (ExAC no frequency).